The following is an entry in ClinVar:

ClinVar aggregate classification (germline): Uncertain significance. Review status: criteria provided, multiple submitters, no conflicts (2 of 4 stars). 5 submissions from 5 submitters: Uncertain significance (5). Last evaluated 2024-09-04.

Conditions:
Aminoacylase 1 deficiency. Also called: Neurological conditions associated with aminoacylase 1 deficiency. Identifiers: Orphanet 137754, MedGen C1835922, MONDO:0012368, OMIM 609924.

Allele frequency attached by ClinVar (database versions not stated): gnomAD 0.00006; ESP Exome Variant Server 0.00008; TOPMed 0.00011; ExAC 0.00035; gnomAD exomes 0.00045.

Submissions (5):

Women's Health and Genetics/Laboratory Corporation of America, LabCorp
Classification: Uncertain significance. Last evaluated: 2024-09-04. Review status: criteria provided, single submitter. Criteria: LabCorp Variant Classification Summary - May 2015. Collection method: clinical testing. Allele origin: germline.
Comment: Variant summary: ACY1 c.1133G>A (p.Arg378Gln) results in a conservative amino acid change in the encoded protein sequence. Three of five in-silico tools predict a benign effect of the variant on protein function. The variant allele was found at a frequency of 0.00045 in 251422 control chromosomes. This frequency is not significantly higher than estimated for a pathogenic variant in ACY1 causing Aminoacylase 1 Deficiency, allowing no conclusion about variant significance. c.1133G>A has been reported in the literature in at least one individual affected with Aminoacylase 1 Deficiency (e.g. Sommer_2011). This report does not provide unequivocal conclusions about association of the variant with Aminoacylase 1 Deficiency. At least one publication reports experimental evidence evaluating an impact on protein function. The most pronounced variant effect results in >50%-90% of normal activity (e.g. Sommer_2011). The following publication has been ascertained in the context of this evaluation (PMID: 21414403). ClinVar contains an entry for this variant (Variation ID: 809490). Based on the evidence outlined above, the variant was classified as uncertain significance.

GeneDx
Classification: Uncertain significance. Last evaluated: 2023-11-15. Review status: criteria provided, single submitter. Criteria: GeneDx Variant Classification Process June 2021. Collection method: clinical testing. Allele origin: germline. Affected: yes.
Comment: Published functional studies suggest no damaging effect, with this variant having wildtype enzyme activity (PMID: 21414403); In silico analysis supports that this missense variant does not alter protein structure/function; This variant is associated with the following publications: (PMID: 29653693, 21414403)

Labcorp Genetics (formerly Invitae), Labcorp
Classification: Uncertain significance. Last evaluated: 2022-08-15. Review status: criteria provided, single submitter. Criteria: Invitae Variant Classification Sherloc (09022015). Collection method: clinical testing. Allele origin: germline.
Comment: This sequence change replaces arginine, which is basic and polar, with glutamine, which is neutral and polar, at codon 378 of the ACY1 protein (p.Arg378Gln). This variant is present in population databases (rs150480963, gnomAD 0.3%). This missense change has been observed in individuals with aminoacylase-1 deficiency (PMID: 21414403). ClinVar contains an entry for this variant (Variation ID: 809490). Algorithms developed to predict the effect of missense changes on protein structure and function are either unavailable or do not agree on the potential impact of this missense change (SIFT: "Tolerated"; PolyPhen-2: "Possibly Damaging"; Align-GVGD: "Class C0"). Experimental studies have shown that this missense change does not substantially affect ACY1 function (PMID: 21414403). This variant disrupts the p.Arg378 amino acid residue in ACY1. Other variant(s) that disrupt this residue have been observed in individuals with ACY1-related conditions (PMID: 21414403), which suggests that this may be a clinically significant amino acid residue. In summary, the available evidence is currently insufficient to determine the role of this variant in disease. Therefore, it has been classified as a Variant of Uncertain Significance.

Fulgent Genetics
Classification: Uncertain significance for Aminoacylase 1 deficiency. Last evaluated: 2021-10-25. Review status: criteria provided, single submitter. Criteria: ACMG Guidelines, 2015. Collection method: clinical testing. Allele origin: unknown.

CeGaT Center for Human Genetics Tuebingen
Classification: Uncertain significance. Last evaluated: 2018-12-01. Review status: criteria provided, single submitter. Criteria: CeGaT Center For Human Genetics Tuebingen Variant Classification Criteria Version 2. Collection method: clinical testing. Allele origin: germline. Affected: yes. Observed: 2 variant alleles.

Literature cited by the submitters: PubMed 21414403 (cited by Women's Health and Genetics/Laboratory Corporation of America, LabCorp and Labcorp Genetics (formerly Invitae), Labcorp).

NM_000666.3(ACY1):c.1133G>A (p.Arg378Gln)

Genes: ABHD14A-ACY1 (ABHD14A-ACY1 readthrough; plus strand), ACY1 (aminoacylase 1; plus strand). Cytogenetic location: 3p21.2.
Variant type: single nucleotide variant.
Coding change: c.1133G>A on transcript NM_000666.3 (MANE Select); coding-DNA position 1133, G replaced by A.
Protein change: p.Arg378Gln; replaces arginine 378 with glutamine.
Molecular consequence: missense variant.
Genome position (GRCh38, 1-based): chr3:51,988,981, G>A. VCF-style: chr3-51988981-G-A. GRCh37 (hg19) VCF-style: chr3-52022997-G-A.
Other names: c.1403G>A, p.Arg468Gln (NM_001316331.2); c.1133G>A, p.Arg378Gln (NM_001198895.2); c.917G>A, p.Arg306Gln (NM_001198896.2); c.938G>A, p.Arg313Gln (NM_001198897.2); c.1028G>A, p.Arg343Gln (NM_001198898.2); c.1133G>A (NM_000666.2); short protein forms R468Q, R306Q, R313Q, R343Q, R378Q.
Identifiers: ClinVar variation 809490 (VCV000809490.47), dbSNP rs150480963, ClinGen allele CA2428770.